The following is an entry in ClinVar:

NM_206937.2(LIG4):c.2237T>C (p.Met746Thr)

Gene: LIG4 (DNA ligase 4; minus strand). Cytogenetic location: 13q33.3.
Variant type: single nucleotide variant.
Coding change: c.2237T>C on transcript NM_206937.2 (MANE Select); coding-DNA position 2237, T replaced by C.
Protein change: p.Met746Thr; replaces methionine 746 with threonine.
Molecular consequence: missense variant.
Genome position (GRCh38, 1-based): chr13:108,209,032, A>G on the plus strand (T>C on the coding strand, the complement: LIG4 is on the minus strand). VCF-style: chr13-108209032-A-G. GRCh37 (hg19) VCF-style: chr13-108861380-A-G.
Other names: c.2237T>C, p.Met746Thr (NM_001098268.2, NM_001352598.2, NM_001352599.2 and 6 more transcripts); c.2036T>C, p.Met679Thr (NM_001330595.2); c.2273T>C, p.Met758Thr (NM_001352604.2); short protein forms M746T, M679T, M758T.
Identifiers: ClinVar variation 2153861 (VCV002153861.4), dbSNP rs768306322, ClinGen allele CA7043542.

ClinVar aggregate classification (germline): Uncertain significance (1 of 4 stars; one submission).

Conditions:
DNA ligase IV deficiency. Identifiers: Orphanet 99812, MedGen C1847827, MONDO:0011686, OMIM 606593.

Allele frequency attached by ClinVar (database versions not stated): gnomAD exomes below 0.00001; ExAC 0.00001.

Submission:

Labcorp Genetics (formerly Invitae), Labcorp
Classification: Uncertain significance for DNA ligase IV deficiency. Last evaluated: 2022-03-14. Review status: criteria provided, single submitter. Criteria: Invitae Variant Classification Sherloc (09022015). Collection method: clinical testing. Allele origin: germline.
Comment: Algorithms developed to predict the effect of missense changes on protein structure and function (SIFT, PolyPhen-2, Align-GVGD) all suggest that this variant is likely to be tolerated. This variant has not been reported in the literature in individuals affected with LIG4-related conditions. This variant is present in population databases (rs768306322, gnomAD 0.0009%). This sequence change replaces methionine, which is neutral and non-polar, with threonine, which is neutral and polar, at codon 746 of the LIG4 protein (p.Met746Thr). In summary, the available evidence is currently insufficient to determine the role of this variant in disease. Therefore, it has been classified as a Variant of Uncertain Significance.